The following is an entry in ClinVar:

NM_194454.3(KRIT1):c.2081del (p.Asp694fs)

Gene: KRIT1 (KRIT1 ankyrin repeat containing; minus strand). Cytogenetic location: 7q21.2.
Variant type: Deletion.
Coding change: c.2081del on transcript NM_194454.3 (MANE Select); coding-DNA position 2081, one base deleted (A; older notation c.2081delA).
Protein change: p.Asp694fs; shifts the reading frame from aspartic acid 694.
Molecular consequence: frameshift variant.
Genome position (GRCh38, 1-based): chr7:92,201,368, T deleted on the plus strand (A on the coding strand, the reverse complement: KRIT1 is on the minus strand). VCF-style (leftmost placement, unchanged base first): chr7-92201367-AT-A. GRCh37 (hg19) VCF-style: chr7-91830681-AT-A.
Other names: c.1937del, p.Asp646fs (NM_001013406.2, NM_001350669.1, NM_001350670.1); c.1367del, p.Asp456fs (NM_001350671.1); c.2081del, p.Asp694fs (NM_001350672.1, NM_001350673.1, NM_001350674.1 and 26 more transcripts); short protein forms D456fs, D694fs, D646fs.
Identifiers: ClinVar variation 956530 (VCV000956530.10), dbSNP rs1790094262, ClinGen allele CA1139660128.

ClinVar aggregate classification (germline): Pathogenic (1 of 4 stars; one submission).

Conditions:
Cerebral cavernous malformation (CCM). Also called: CAVERNOUS ANGIOMA, FAMILIAL; CAVERNOUS ANGIOMATOUS MALFORMATIONS; CEREBRAL CAPILLARY MALFORMATIONS; Cerebral cavernous hemangioma (type); Cerebral cavernous malformations; Cavernous Hemangioma of Brain. Identifiers: Orphanet 221061, MedGen C2919945, MONDO:0000820, OMIM 116860, HP:0033522.

Submission:

Labcorp Genetics (formerly Invitae), Labcorp
Classification: Pathogenic for Cerebral cavernous malformation. Last evaluated: 2019-10-09. Review status: criteria provided, single submitter. Criteria: Invitae Variant Classification Sherloc (09022015). Collection method: clinical testing. Allele origin: germline.
Comment: This sequence change results in a premature translational stop signal in the KRIT1 gene (p.Asp694Valfs*13). While this is not anticipated to result in nonsense mediated decay, it is expected to disrupt the last 43 amino acids of the KRIT1 protein. This variant is not present in population databases (ExAC no frequency). This variant disrupts the C-terminus of the KRIT1 protein. Other variant(s) that disrupt this region (p.Gln698*) have been determined to be pathogenic (PMID: 11959162). This suggests that variants that disrupt this region of the protein are likely to be causative of disease. For these reasons, this variant has been classified as Pathogenic.

Literature cited by the submitters: PubMed 11959162.